The following is an entry in ClinVar:

NM_001164508.2(NEB):c.3649A>G (p.Lys1217Glu)

Gene: NEB (nebulin; minus strand). Cytogenetic location: 2q23.3.
Variant type: single nucleotide variant.
Coding change: c.3649A>G on transcript NM_001164508.2 (MANE Select); coding-DNA position 3649, A replaced by G.
Protein change: p.Lys1217Glu; replaces lysine 1217 with glutamic acid.
Molecular consequence: missense variant.
Genome position (GRCh38, 1-based): chr2:151,677,690, T>C on the plus strand (A>G on the coding strand, the complement: NEB is on the minus strand). VCF-style: chr2-151677690-T-C. GRCh37 (hg19) VCF-style: chr2-152534204-T-C.
Other names: c.3649A>G, p.Lys1217Glu (NM_001164507.2, NM_001271208.2, NM_004543.5); short protein forms K1217E.
Identifiers: ClinVar variation 3630116 (VCV003630116.2).
Genomic context (GRCh38, chr2:151,677,690, plus strand): 5'-ATTTGAGGGTGTCTGGATGTTGCCTGTACTTCTTTTCATTCAGAGCATCACCGGCCTTTT[T>C]AACTTTTTCGACGTCGAGACTGCCAATAGGAATCCAGCCAATGCCTTTCATCCAGTTGTT-3'
Protein context (NP_001157980.2, residues 1207-1227): PIGSLDVEKV[Lys1217Glu]KAGDALNEKK

ClinVar aggregate classification (germline): Uncertain significance (1 of 4 stars; one submission).

Conditions:
Nemaline myopathy 2 (NEM2). Also called: Nemaline myopathy 2, autosomal recessive. Identifiers: MedGen C1850569, MONDO:0009725, OMIM 256030.

Submission:

Labcorp Genetics (formerly Invitae), Labcorp
Classification: Uncertain significance for Nemaline myopathy 2. Last evaluated: 2024-12-31. Review status: criteria provided, single submitter. Criteria: Invitae Variant Classification Sherloc (09022015). Collection method: clinical testing. Allele origin: germline.
Comment: This sequence change replaces lysine, which is basic and polar, with glutamic acid, which is acidic and polar, at codon 1217 of the NEB protein (p.Lys1217Glu). This variant is not present in population databases (gnomAD no frequency). This variant has not been reported in the literature in individuals affected with NEB-related conditions. Experimental studies and prediction algorithms are not available or were not evaluated, and the functional significance of this variant is currently unknown. In summary, the available evidence is currently insufficient to determine the role of this variant in disease. Therefore, it has been classified as a Variant of Uncertain Significance.